The following is an entry in ClinVar:

NM_006206.6(PDGFRA):c.1580_1582del (p.Val527del)

Gene: PDGFRA (platelet derived growth factor receptor alpha; plus strand). Cytogenetic location: 4q12.
Variant type: Deletion.
Coding change: c.1580_1582del on transcript NM_006206.6 (MANE Select); coding-DNA positions 1580 to 1582, 3 bases deleted (TGG; older notation c.1580_1582delTGG).
Protein change: p.Val527del; deletes valine 527.
Molecular consequence: inframe deletion.
Genome position (GRCh38, 1-based): chr4:54,274,552-54,274,554, TGG deleted; deleting any 3 consecutive bases within chr4:54,274,550-54,274,554 gives the same sequence; the c. name uses the placement nearest the transcript's 3' end. VCF-style (leftmost placement, unchanged base first): chr4-54274549-CGGT-C. GRCh37 (hg19) VCF-style: chr4-55140716-CGGT-C.
Other names: c.1580_1582del, p.Val527del (NM_001347827.2, NM_001347829.2); c.1655_1657del, p.Val552del (NM_001347828.2); c.1619_1621del, p.Val540del (NM_001347830.2); short protein forms V527del, V540del, V552del.
Identifiers: ClinVar variation 572775 (VCV000572775.9), dbSNP rs1560480010, ClinGen allele CA891842615.

ClinVar aggregate classification (germline): Uncertain significance (1 of 4 stars; one submission).

Conditions:
Gastrointestinal stromal tumor. Also called: Gastrointestinal stromal tumor, somatic; Gastrointestinal stroma tumor. Identifiers: Orphanet 44890, MedGen C0238198, MeSH D046152, MONDO:0011719, OMIM 606764, HP:0100723.

Submission:

Labcorp Genetics (formerly Invitae), Labcorp
Classification: Uncertain significance for Gastrointestinal stromal tumor. Last evaluated: 2018-03-24. Review status: criteria provided, single submitter. Criteria: Invitae Variant Classification Sherloc (09022015). Collection method: clinical testing. Allele origin: germline.
Comment: In summary, the available evidence is currently insufficient to determine the role of this variant in disease. Therefore, it has been classified as a Variant of Uncertain Significance. Experimental studies and prediction algorithms are not available for this variant, and the functional significance of the deleted amino acid is currently unknown. This variant has not been reported in the literature in individuals with PDGFRA-related disease. This variant is not present in population databases (ExAC no frequency). This variant, c.1580_1582delTGG, results in the deletion of 1 amino acid of the PDGFRA protein (p.Val527del), but otherwise preserves the integrity of the reading frame.